The following is an entry in ClinVar:

ClinVar aggregate classification (germline): Conflicting classifications of pathogenicity. Review status: criteria provided, conflicting classifications (1 of 4 stars). 3 submissions from 3 submitters: Uncertain significance (2); Likely benign (1). Last evaluated 2025-10-27.

Conditions:
Polycystic kidney disease, adult type (PKD1). Also called: Polycystic Kidney Disease 1, Autosomal Dominant; Polycystic kidney disease 1; Polycystic kidney disease 1, severe; POLYCYSTIC KIDNEY DISEASE, ADULT, TYPE I; Polycystic Kidney, Autosomal Dominant; POLYCYSTIC KIDNEY DISEASE 1 WITH OR WITHOUT POLYCYSTIC LIVER DISEASE. Identifiers: MedGen C3149841, MONDO:0008263, OMIM 173900.
PKD1-related disorder. Also called: PKD1-related condition.
Inborn genetic diseases. Identifiers: MedGen C0950123, MeSH D030342.

Allele frequency attached by ClinVar (database versions not stated): gnomAD exomes 0.00008; gnomAD 0.00009; 1000 Genomes Project 0.00040; 1000 Genomes Project 30x 0.00047.
gnomAD v4.1: 126 of 1,537,256 alleles (0.0082%); highest among the groups gnomAD compares: Admixed American, 0.022%; no homozygotes.

Submissions (3):

PreventionGenetics, part of Exact Sciences
Classification: Likely benign for PKD1-related condition. Last evaluated: 2025-10-27. Review status: criteria provided, single submitter. Criteria: ACMG Guidelines, 2015. Collection method: clinical testing. Allele origin: germline.
Comment: This variant is classified as likely benign based on ACMG/AMP sequence variant interpretation guidelines (Richards et al. 2015 PMID: 25741868, with internal and published modifications).

Department of Pathology and Laboratory Medicine, Sinai Health System
Classification: Uncertain significance for Polycystic kidney disease, adult type. Last evaluated: 2024-10-02. Review status: criteria provided, single submitter. Criteria: ACMG Guidelines, 2015. Collection method: clinical testing. Allele origin: germline.

Ambry Genetics
Classification: Uncertain significance for Inborn genetic diseases. Last evaluated: 2023-11-18. Review status: criteria provided, single submitter. Criteria: Ambry Variant Classification Scheme 2023. Collection method: clinical testing. Allele origin: germline.

NM_001009944.3(PKD1):c.1799G>A (p.Arg600Gln)

Gene: PKD1 (polycystin 1, transient receptor potential channel interacting; minus strand). Cytogenetic location: 16p13.3.
Variant type: single nucleotide variant.
Coding change: c.1799G>A on transcript NM_001009944.3 (MANE Select); coding-DNA position 1799, G replaced by A.
Protein change: p.Arg600Gln; replaces arginine 600 with glutamine.
Molecular consequence: missense variant.
Genome position (GRCh38, 1-based): chr16:2,116,042, C>T on the plus strand (G>A on the coding strand, the complement: PKD1 is on the minus strand). VCF-style: chr16-2116042-C-T. GRCh37 (hg19) VCF-style: chr16-2166043-C-T.
Other names: c.1799G>A, p.Arg600Gln (NM_000296.4); short protein forms R600Q.
Identifiers: ClinVar variation 3213445 (VCV003213445.3), dbSNP rs572116802, ClinGen allele CA7833398.